The following is an entry in ClinVar:

ClinVar aggregate classification (germline): Uncertain significance. Review status: criteria provided, multiple submitters, no conflicts (2 of 4 stars). 2 submissions from 2 submitters: Uncertain significance (2). Last evaluated 2022-05-08.

Conditions:
Peroxisome biogenesis disorder 2A (Zellweger) (PBD2A). Also called: Cerebrohepatorenal syndrome, variant types. Identifiers: Orphanet 912, MedGen C3550273, MONDO:0008954, OMIM 214110.
Peroxisome biogenesis disorder 2B (PBD2B). Identifiers: Orphanet 44, MedGen C3550234, MONDO:0008736, OMIM 202370.

Allele frequency attached by ClinVar (database versions not stated): gnomAD exomes below 0.00001 and 0.00001; ExAC 0.00001; gnomAD 0.00001; TOPMed 0.00001; ESP Exome Variant Server 0.00008.

Submissions (2):

Labcorp Genetics (formerly Invitae), Labcorp
Classification: Uncertain significance for Peroxisome biogenesis disorder 2B. Last evaluated: 2022-05-08. Review status: criteria provided, single submitter. Criteria: Invitae Variant Classification Sherloc (09022015). Collection method: clinical testing. Allele origin: germline.
Comment: This sequence change falls in intron 11 of the PEX5 gene. It does not directly change the encoded amino acid sequence of the PEX5 protein. This variant is present in population databases (rs371599161, gnomAD 0.01%). This variant has not been reported in the literature in individuals affected with PEX5-related conditions. ClinVar contains an entry for this variant (Variation ID: 883209). Algorithms developed to predict the effect of sequence changes on RNA splicing suggest that this variant may disrupt the consensus splice site. In summary, the available evidence is currently insufficient to determine the role of this variant in disease. Therefore, it has been classified as a Variant of Uncertain Significance.

Illumina Laboratory Services, Illumina
Classification: Uncertain significance for Peroxisome biogenesis disorder 2A (Zellweger). Last evaluated: 2018-01-12. Review status: criteria provided, single submitter. Criteria: ICSL Variant Classification Criteria 13 December 2019. Collection method: clinical testing. Allele origin: germline.

NM_001351132.2(PEX5):c.1111-12A>G

Gene: PEX5 (peroxisomal biogenesis factor 5; plus strand). Cytogenetic location: 12p13.31.
Variant type: single nucleotide variant.
Coding change: c.1111-12A>G on transcript NM_001351132.2 (MANE Select); 12 bases into the intron before coding-DNA position 1111, A replaced by G.
Molecular consequence: intron variant.
Genome position (GRCh38, 1-based): chr12:7,207,998, A>G. VCF-style: chr12-7207998-A-G. GRCh37 (hg19) VCF-style: chr12-7360594-A-G.
Other names: c.1000-12A>G (NM_001351124.3, NM_001351126.2, NM_001374646.1 and 7 more transcripts); c.1111-12A>G (NM_001131026.2, NM_001351131.2, NM_001374647.2 and 4 more transcripts); c.976-12A>G (NM_001374649.2, NM_001351140.2, NM_001351139.2); c.1045-12A>G (NM_001351135.3, NM_001351138.2); c.1156-12A>G (NM_001131023.2); c.1102-12A>G (NM_001351136.2); c.1087-12A>G (NM_000319.5).
Identifiers: ClinVar variation 883209 (VCV000883209.5), dbSNP rs371599161, ClinGen allele CA6426370.